The following is an entry in ClinVar:

NM_001257291.2(SLC9A7):c.281G>A (p.Arg94His)

Gene: SLC9A7 (solute carrier family 9 member A7; minus strand). Cytogenetic location: Xp11.3.
Variant type: single nucleotide variant.
Coding change: c.281G>A on transcript NM_001257291.2 (MANE Select); coding-DNA position 281, G replaced by A.
Protein change: p.Arg94His; replaces arginine 94 with histidine.
Molecular consequence: missense variant.
Genome position (GRCh38, 1-based): chrX:46,758,749, C>T on the plus strand (G>A on the coding strand, the complement: SLC9A7 is on the minus strand). VCF-style: chrX-46758749-C-T. GRCh37 (hg19) VCF-style: chrX-46618184-C-T.
Other names: c.281G>A, p.Arg94His (NM_032591.3); short protein forms R94H.
Identifiers: ClinVar variation 4741862 (VCV004741862.1).

ClinVar aggregate classification (germline): Uncertain significance (1 of 4 stars; one submission).

gnomAD v4.1: 1 of 1,197,329 alleles (0.000084%); highest among the groups gnomAD compares: African/African-American, 0.0017%; no homozygotes.

Submission:

Labcorp Genetics (formerly Invitae), Labcorp
Classification: Uncertain significance. Last evaluated: 2025-04-01. Review status: criteria provided, single submitter. Criteria: Invitae Variant Classification Sherloc (09022015). Collection method: clinical testing. Allele origin: germline.
Comment: This sequence change replaces arginine, which is basic and polar, with histidine, which is basic and polar, at codon 94 of the SLC9A7 protein (p.Arg94His). This variant is not present in population databases (gnomAD no frequency). This variant has not been reported in the literature in individuals affected with SLC9A7-related conditions. Invitae Evidence Modeling of protein sequence and biophysical properties (such as structural, functional, and spatial information, amino acid conservation, physicochemical variation, residue mobility, and thermodynamic stability) indicates that this missense variant is not expected to disrupt SLC9A7 protein function with a negative predictive value of 80%. In summary, the available evidence is currently insufficient to determine the role of this variant in disease. Therefore, it has been classified as a Variant of Uncertain Significance.